The following is an entry in ClinVar:

NM_001059.3(TACR3):c.969A>T (p.Ala323=)

Genes: TACR3 (tachykinin receptor 3; minus strand), TACR3-AS1 (TACR3 antisense RNA 1; plus strand). Cytogenetic location: 4q24.
Variant type: single nucleotide variant.
Coding change: c.969A>T on transcript NM_001059.3 (MANE Select); coding-DNA position 969, A replaced by T.
Protein change: p.Ala323=; no amino-acid change (alanine 323 retained).
Molecular consequence: synonymous variant.
Genome position (GRCh38, 1-based): chr4:103,591,603, T>A on the plus strand (A>T on the coding strand, the complement: TACR3 is on the minus strand). VCF-style: chr4-103591603-T-A. GRCh37 (hg19) VCF-style: chr4-104512760-T-A.
Identifiers: ClinVar variation 3353090 (VCV003353090.15).

ClinVar aggregate classification (germline): Likely benign. Review status: criteria provided, multiple submitters, no conflicts (2 of 4 stars). 3 submissions from 3 submitters: Likely benign (2). 1 of the submissions does not count toward it. Last evaluated 2025-04-08.

Conditions:
TACR3-related disorder. Also called: TACR3-related condition.

gnomAD v4.1: 39 of 1,613,724 alleles (0.0024%); highest among the groups gnomAD compares: South Asian, 0.0099%; no homozygotes.

Submissions (3):

Labcorp Genetics (formerly Invitae), Labcorp
Classification: Likely benign. Last evaluated: 2025-04-08. Review status: criteria provided, single submitter. Criteria: Invitae Variant Classification Sherloc (09022015). Collection method: clinical testing. Allele origin: germline.

CeGaT Center for Human Genetics Tuebingen
Classification: Likely benign. Last evaluated: 2025-01-01. Review status: criteria provided, single submitter. Criteria: CeGaT Center For Human Genetics Tuebingen Variant Classification Criteria Version 2. Collection method: clinical testing. Allele origin: germline. Affected: yes. Observed: 1 variant allele.
Comment: TACR3: BP4, BP7

PreventionGenetics, part of Exact Sciences
Classification: Likely benign for TACR3-related condition. Last evaluated: 2024-07-23. Review status: no assertion criteria provided. Collection method: clinical testing. Allele origin: germline. Not counted in ClinVar's aggregate classification.
Comment: This variant is classified as likely benign based on ACMG/AMP sequence variant interpretation guidelines (Richards et al. 2015 PMID: 25741868, with internal and published modifications).